The following is an entry in ClinVar:

ClinVar aggregate classification (germline): Conflicting classifications of pathogenicity. Review status: criteria provided, conflicting classifications (1 of 4 stars). 3 submissions from 3 submitters: Uncertain significance (2); Likely benign (1). Last evaluated 2025-11-02.

Allele frequency attached by ClinVar (database versions not stated): gnomAD 0.00010 and 0.00011; ESP Exome Variant Server 0.00015; TOPMed 0.00017.
gnomAD v4.1: 128 of 1,613,904 alleles (0.0079%); highest among the groups gnomAD compares: Admixed American, 0.02%; no homozygotes.

Submissions (3):

Dasa
Classification: Uncertain significance. Last evaluated: 2025-11-02. Review status: criteria provided, single submitter. Criteria: DASA Assertion Criteria. Collection method: clinical testing. Allele origin: germline.
Comment: NM_015338.6(ASXL1):c.3947G>A (p.Arg1316His) is a missense variant that results in the substitution of arginine with histidine. This variant is rare in population databases. Computational prediction algorithms are consistent with a benign effect. The currently available literature and clinical evidence are not sufficient to establish a definitive association between this variant and the reported condition. Therefore, this variant is classified as a variant of uncertain significance.

Labcorp Genetics (formerly Invitae), Labcorp
Classification: Uncertain significance. Last evaluated: 2024-12-02. Review status: criteria provided, single submitter. Criteria: Invitae Variant Classification Sherloc (09022015). Collection method: clinical testing. Allele origin: germline.
Comment: This sequence change replaces arginine, which is basic and polar, with histidine, which is basic and polar, at codon 1316 of the ASXL1 protein (p.Arg1316His). This variant is present in population databases (rs369419785, gnomAD 0.02%). This variant has not been reported in the literature in individuals affected with ASXL1-related conditions. ClinVar contains an entry for this variant (Variation ID: 1506052). An algorithm developed to predict the effect of missense changes on protein structure and function outputs the following: PolyPhen-2: "Possibly Damaging". The histidine amino acid residue is found in multiple mammalian species, which suggests that this missense change does not adversely affect protein function. In summary, the available evidence is currently insufficient to determine the role of this variant in disease. Therefore, it has been classified as a Variant of Uncertain Significance.

CeGaT Center for Human Genetics Tuebingen
Classification: Likely benign. Last evaluated: 2023-01-01. Review status: criteria provided, single submitter. Criteria: CeGaT Center For Human Genetics Tuebingen Variant Classification Criteria Version 2. Collection method: clinical testing. Allele origin: germline. Affected: yes. Observed: 1 variant allele.
Comment: ASXL1: BP4

NM_015338.6(ASXL1):c.3947G>A (p.Arg1316His)

Gene: ASXL1 (ASXL transcriptional regulator 1; plus strand). Cytogenetic location: 20q11.21.
Variant type: single nucleotide variant.
Coding change: c.3947G>A on transcript NM_015338.6 (MANE Select); coding-DNA position 3947, G replaced by A.
Protein change: p.Arg1316His; replaces arginine 1316 with histidine.
Molecular consequence: missense variant.
Genome position (GRCh38, 1-based): chr20:32,436,659, G>A. VCF-style: chr20-32436659-G-A. GRCh37 (hg19) VCF-style: chr20-31024462-G-A.
Other names: c.3764G>A, p.Arg1255His (NM_001363734.1); short protein forms R1255H, R1316H.
Identifiers: ClinVar variation 1506052 (VCV001506052.30), dbSNP rs369419785, ClinGen allele CA9808930.